The following is an entry in ClinVar:

ClinVar aggregate classification (germline): Uncertain significance (1 of 4 stars; one submission).

Submission:

Ambry Genetics
Classification: Uncertain significance. Last evaluated: 2023-09-27. Review status: criteria provided, single submitter. Criteria: Ambry Variant Classification Scheme 2023. Collection method: clinical testing. Allele origin: germline.
Comment: The p.E1427K variant (also known as c.4279G>A), located in coding exon 18 of the NPAT gene, results from a G to A substitution at nucleotide position 4279. The glutamic acid at codon 1427 is replaced by lysine, an amino acid with similar properties. This amino acid position is conserved. In addition, the in silico prediction for this alteration is inconclusive. Since supporting evidence is limited at this time, the clinical significance of this alteration remains unclear.

NM_002519.3(NPAT):c.4279G>A (p.Glu1427Lys)

Gene: NPAT (nuclear protein, coactivator of histone transcription; minus strand). Cytogenetic location: 11q22.3.
Variant type: single nucleotide variant.
Coding change: c.4279G>A on transcript NM_002519.3 (MANE Select); coding-DNA position 4279, G replaced by A.
Protein change: p.Glu1427Lys; replaces glutamic acid 1427 with lysine.
Molecular consequence: missense variant.
Genome position (GRCh38, 1-based): chr11:108,158,947, C>T on the plus strand (G>A on the coding strand, the complement: NPAT is on the minus strand). VCF-style: chr11-108158947-C-T. GRCh37 (hg19) VCF-style: chr11-108029674-C-T.
Other names: c.4300G>A, p.Glu1434Lys (NM_001321307.1); short protein forms E1427K, E1434K.
Identifiers: ClinVar variation 3222629 (VCV003222629.1), dbSNP rs756053480, ClinGen allele CA382508956.
Genomic context (GRCh38, chr11:108,158,947, plus strand): 5'-TCAGTTTAAGGGATATGAGTTTTTAACACCTACTGTTCTTATGTGTCCAGAATGTTTACT[C>T]ATCATAATGCAATGATAACAAAAATTTGTCTACATCCATTCCTGCTGGAAATGAACTGGG-3'
Protein context (NP_002510.2, residues 1417-1427): DKFLLSLHYD[Glu1427Lys]